The following is an entry in ClinVar:

NM_003401.5(XRCC4):c.956T>A (p.Leu319Ter)

Gene: XRCC4 (X-ray repair cross complementing 4; plus strand). Cytogenetic location: 5q14.2.
Variant type: single nucleotide variant.
Coding change: c.956T>A on transcript NM_003401.5 (MANE Select); coding-DNA position 956, T replaced by A.
Protein change: p.Leu319Ter; replaces leucine 319 with a stop codon.
Molecular consequence: nonsense.
Genome position (GRCh38, 1-based): chr5:83,353,193, T>A. VCF-style: chr5-83353193-T-A. GRCh37 (hg19) VCF-style: chr5-82649012-T-A.
Other names: c.962T>A, p.Leu321Ter (NM_001318012.3, NM_022406.5); c.956T>A, p.Leu319Ter (NM_022550.4); short protein forms L321*, L319*.
Identifiers: ClinVar variation 2126553 (VCV002126553.4), dbSNP rs1248685967, ClinGen allele CA360357725.

ClinVar aggregate classification (germline): Uncertain significance (1 of 4 stars; one submission).

Submission:

Labcorp Genetics (formerly Invitae), Labcorp
Classification: Uncertain significance. Last evaluated: 2022-04-15. Review status: criteria provided, single submitter. Criteria: Invitae Variant Classification Sherloc (09022015). Collection method: clinical testing. Allele origin: germline.
Comment: In summary, the available evidence is currently insufficient to determine the role of this variant in disease. Therefore, it has been classified as a Variant of Uncertain Significance. Experimental studies and prediction algorithms are not available or were not evaluated, and the functional significance of this variant is currently unknown. This variant has not been reported in the literature in individuals affected with XRCC4-related conditions. This variant is not present in population databases (gnomAD no frequency). This sequence change creates a premature translational stop signal (p.Leu321*) in the XRCC4 gene. While this is not anticipated to result in nonsense mediated decay, it is expected to disrupt the last 16 amino acid(s) of the XRCC4 protein.